The following is an entry in ClinVar:

ClinVar aggregate classification (germline): Likely benign (1 of 4 stars; one submission).

Submission:

CeGaT Center for Human Genetics Tuebingen
Classification: Likely benign. Last evaluated: 2022-08-01. Review status: criteria provided, single submitter. Criteria: CeGaT Center For Human Genetics Tuebingen Variant Classification Criteria Version 2. Collection method: clinical testing. Allele origin: germline. Affected: yes. Observed: 1 variant allele.
Comment: SMARCC2: PM2:Supporting, BP4, BP7

NM_001330288.2(SMARCC2):c.111G>A (p.Lys37=)

Genes: SMARCC2 (SWI/SNF related BAF chromatin remodeling complex subunit C2; minus strand), LOC130008058 (ATAC-STARR-seq lymphoblastoid silent region 4548; plus strand). Cytogenetic location: 12q13.2.
Variant type: single nucleotide variant.
Coding change: c.111G>A on transcript NM_001330288.2 (MANE Select); coding-DNA position 111, G replaced by A.
Protein change: p.Lys37=; no amino-acid change (lysine 37 retained).
Molecular consequence: synonymous variant.
Genome position (GRCh38, 1-based): chr12:56,189,351, C>T on the plus strand (G>A on the coding strand, the complement: SMARCC2 is on the minus strand). VCF-style: chr12-56189351-C-T. GRCh37 (hg19) VCF-style: chr12-56583135-C-T.
Other names: c.111G>A, p.Lys37= (NM_001130420.3, NM_003075.5, NM_139067.4).
Identifiers: ClinVar variation 2643086 (VCV002643086.24), dbSNP rs2540983679, ClinGen allele CA480186838.
Genomic context (GRCh38, chr12:56,189,351, plus strand): 5'-AGGGCCGCGGTCCCTTTGTCCCGCCCCCGGTCCCCGCGCGGCCCGGCCCGGCCCGCGTAC[C>T]TTCTTGTAGTTCTTGCCGAGCCACAGCCGCACGTTGTCGAACTGGGTCACGGTGTCCGCG-3'
Protein context (NP_001317217.1, residues 27-47): VRLWLGKNYK[Lys37=]YIQAEPPTNK